The following is an entry in ClinVar:

NM_003680.4(YARS1):c.1190C>T (p.Ala397Val)

Gene: YARS1 (tyrosyl-tRNA synthetase 1; minus strand). Cytogenetic location: 1p35.1.
Variant type: single nucleotide variant.
Coding change: c.1190C>T on transcript NM_003680.4 (MANE Select); coding-DNA position 1190, C replaced by T.
Protein change: p.Ala397Val; replaces alanine 397 with valine.
Molecular consequence: missense variant.
Genome position (GRCh38, 1-based): chr1:32,780,229, G>A on the plus strand (C>T on the coding strand, the complement: YARS1 is on the minus strand). VCF-style: chr1-32780229-G-A. GRCh37 (hg19) VCF-style: chr1-33245830-G-A.
Other names: short protein forms A397V.
Identifiers: ClinVar variation 2906846 (VCV002906846.3), dbSNP rs2148599973, ClinGen allele CA339681739.
Genomic context (GRCh38, chr1:32,780,229, plus strand): 5'-TCCTGCAGTTCCTCCTTGGGCACGAACTGTACCAGGCCGCTCACCACAGTCCGTGGTTCA[G>A]CTTCCCCCACGTCAATCTTCTCTACATACAGGCTGTCTGCATCTGGGTGCTGCCAGGGAG-3'
Protein context (NP_003671.1, residues 387-407): LYVEKIDVGE[Ala397Val]EPRTVVSGLV

ClinVar aggregate classification (germline): Uncertain significance (1 of 4 stars; one submission).

Conditions:
Charcot-Marie-Tooth disease dominant intermediate C (CMTDIC). Also called: CHARCOT-MARIE-TOOTH NEUROPATHY, DOMINANT INTERMEDIATE C. Identifiers: Orphanet 100045, MedGen C1842237, MONDO:0012012, OMIM 608323.

Allele frequency attached by ClinVar (database versions not stated): gnomAD exomes below 0.00001.
gnomAD v4.1: 4 of 1,614,166 alleles (0.00025%); highest among the groups gnomAD compares: Non-Finnish European, 0.00034%; no homozygotes.

Submission:

Labcorp Genetics (formerly Invitae), Labcorp
Classification: Uncertain significance for Charcot-Marie-Tooth disease dominant intermediate C. Last evaluated: 2023-01-09. Review status: criteria provided, single submitter. Criteria: Invitae Variant Classification Sherloc (09022015). Collection method: clinical testing. Allele origin: germline.
Comment: In summary, the available evidence is currently insufficient to determine the role of this variant in disease. Therefore, it has been classified as a Variant of Uncertain Significance. Advanced modeling of protein sequence and biophysical properties (such as structural, functional, and spatial information, amino acid conservation, physicochemical variation, residue mobility, and thermodynamic stability) performed at Invitae indicates that this missense variant is not expected to disrupt YARS protein function. This variant has not been reported in the literature in individuals affected with YARS-related conditions. This variant is not present in population databases (gnomAD no frequency). This sequence change replaces alanine, which is neutral and non-polar, with valine, which is neutral and non-polar, at codon 397 of the YARS protein (p.Ala397Val).